The following is an entry in ClinVar:

ClinVar aggregate classification (germline): Uncertain significance. Review status: criteria provided, multiple submitters, no conflicts (2 of 4 stars). 2 submissions from 2 submitters: Uncertain significance (2). Last evaluated 2023-08-02.

Conditions:
Hereditary cancer-predisposing syndrome. Also called: Tumor predisposition; Hereditary Cancer Syndrome; Hereditary neoplastic syndrome; Neoplastic Syndromes, Hereditary. Identifiers: Orphanet 140162, MedGen C0027672, MeSH D009386, MONDO:0015356.
POLD1-related polyposis and colorectal cancer syndrome (CRCS10). Also called: Colorectal cancer 10; COLORECTAL CANCER, SUSCEPTIBILITY TO, ON CHROMOSOME 19q; Colorectal cancer, susceptibility to, 10. Identifiers: Orphanet 220460, MedGen C2675481, MONDO:0012953, OMIM 612591.

Submissions (2):

Ambry Genetics
Classification: Uncertain significance for Hereditary cancer-predisposing syndrome. Last evaluated: 2023-08-02. Review status: criteria provided, single submitter. Criteria: Ambry Variant Classification Scheme 2023. Collection method: clinical testing. Allele origin: germline.
Comment: The p.I398T variant (also known as c.1193T>C), located in coding exon 9 of the POLD1 gene, results from a T to C substitution at nucleotide position 1193. The isoleucine at codon 398 is replaced by threonine, an amino acid with similar properties. This amino acid position is conserved. In addition, the in silico prediction for this alteration is inconclusive. Since supporting evidence is limited at this time, the clinical significance of this alteration remains unclear.

Labcorp Genetics (formerly Invitae), Labcorp
Classification: Uncertain significance for POLD1-related polyposis and colorectal cancer syndrome. Last evaluated: 2020-03-29. Review status: criteria provided, single submitter. Criteria: Invitae Variant Classification Sherloc (09022015). Collection method: clinical testing. Allele origin: germline.
Comment: In summary, the available evidence is currently insufficient to determine the role of this variant in disease. Therefore, it has been classified as a Variant of Uncertain Significance. Algorithms developed to predict the effect of missense changes on protein structure and function are either unavailable or do not agree on the potential impact of this missense change (SIFT: "Tolerated"; PolyPhen-2: "Probably Damaging"; Align-GVGD: "Class C0"). This variant has not been reported in the literature in individuals with POLD1-related conditions. This variant is not present in population databases (ExAC no frequency). This sequence change replaces isoleucine with threonine at codon 398 of the POLD1 protein (p.Ile398Thr). The isoleucine residue is highly conserved and there is a moderate physicochemical difference between isoleucine and threonine.

NM_002691.4(POLD1):c.1193T>C (p.Ile398Thr)

Gene: POLD1 (DNA polymerase delta 1, catalytic subunit; plus strand). Cytogenetic location: 19q13.33.
Variant type: single nucleotide variant.
Coding change: c.1193T>C on transcript NM_002691.4 (MANE Select); coding-DNA position 1193, T replaced by C.
Protein change: p.Ile398Thr; replaces isoleucine 398 with threonine.
Molecular consequence: missense variant. On other transcripts: non-coding transcript variant (1).
Genome position (GRCh38, 1-based): chr19:50,403,548, T>C. VCF-style: chr19-50403548-T-C. GRCh37 (hg19) VCF-style: chr19-50906805-T-C.
Other names: c.1193T>C, p.Ile398Thr (NM_001256849.1, NM_001308632.1); c.1193T>C (NM_002691.2); short protein forms I398T.
Identifiers: ClinVar variation 1044583 (VCV001044583.10), dbSNP rs2038748705, ClinGen allele CA406978544.